The following is an entry in ClinVar:

ClinVar aggregate classification (germline): Likely benign. Review status: criteria provided, multiple submitters, no conflicts (2 of 4 stars). 5 submissions from 5 submitters: Likely benign (5). Last evaluated 2026-08-01.

Conditions:
Fraser syndrome 1 (FRASRS1). Also called: CRYPTOPHTHALMOS WITH OTHER MALFORMATIONS. Identifiers: Orphanet 2052, MedGen C4551480, MONDO:0054737, OMIM 219000.

Allele frequency attached by ClinVar (database versions not stated): gnomAD exomes 0.00020 and 0.00044; gnomAD 0.00029 and 0.00031; ExAC 0.00035; TOPMed 0.00039; ESP Exome Variant Server 0.00040.
gnomAD v4.1: 370 of 1,613,268 alleles (0.023%); highest among the groups gnomAD compares: Middle Eastern, 0.18%; 1 homozygote.

Submissions (5):

CeGaT Center for Human Genetics Tuebingen
Classification: Likely benign. Last evaluated: 2026-08-01. Review status: criteria provided, single submitter. Criteria: CeGaT Center For Human Genetics Tuebingen Variant Classification Criteria Version 2. Collection method: clinical testing. Allele origin: germline. Affected: yes. Observed: 2 variant alleles.
Comment: FRAS1: BP4, BP7

Labcorp Genetics (formerly Invitae), Labcorp
Classification: Likely benign. Last evaluated: 2026-01-28. Review status: criteria provided, single submitter. Criteria: Invitae Variant Classification Sherloc (09022015). Collection method: clinical testing. Allele origin: germline.

Blueprint Genetics
Classification: Likely benign. Last evaluated: 2024-08-23. Review status: criteria provided, single submitter. Criteria: ACMG Guidelines, 2015. Collection method: clinical testing. Allele origin: germline.

Fulgent Genetics
Classification: Likely benign for Fraser syndrome 1. Last evaluated: 2022-04-12. Review status: criteria provided, single submitter. Criteria: ACMG Guidelines, 2015. Collection method: clinical testing. Allele origin: unknown.

Breakthrough Genomics
Classification: Likely benign. Review status: criteria provided, single submitter. Criteria: ACMG Guidelines, 2015. Collection method: not provided. Allele origin: germline. Inheritance: Autosomal recessive inheritance. Affected: yes.

NM_025074.7(FRAS1):c.7344C>T (p.Leu2448=)

Gene: FRAS1 (Fraser extracellular matrix complex subunit 1; plus strand). Cytogenetic location: 4q21.21.
Variant type: single nucleotide variant.
Coding change: c.7344C>T on transcript NM_025074.7 (MANE Select); coding-DNA position 7344, C replaced by T.
Protein change: p.Leu2448=; no amino-acid change (leucine 2448 retained).
Molecular consequence: synonymous variant.
Genome position (GRCh38, 1-based): chr4:78,470,064, C>T. VCF-style: chr4-78470064-C-T. GRCh37 (hg19) VCF-style: chr4-79391218-C-T.
Identifiers: ClinVar variation 721476 (VCV000721476.37), dbSNP rs201842464, ClinGen allele CA2978063.